The following is an entry in ClinVar:

NM_001356.5(DDX3X):c.1909+6G>A

Gene: DDX3X (DEAD-box helicase 3 X-linked; plus strand). Cytogenetic location: Xp11.4.
Variant type: single nucleotide variant.
Coding change: c.1909+6G>A on transcript NM_001356.5 (MANE Select); 6 bases into the intron after coding-DNA position 1909, G replaced by A.
Molecular consequence: intron variant.
Genome position (GRCh38, 1-based): chrX:41,347,457, G>A. VCF-style: chrX-41347457-G-A. GRCh37 (hg19) VCF-style: chrX-41206710-G-A.
Other names: c.1906+6G>A (NM_001193416.3); c.1861+6G>A (NM_001193417.3); c.1348+6G>A (NM_001363819.1).
Identifiers: ClinVar variation 2816217 (VCV002816217.3), dbSNP rs1396245420, ClinGen allele CA875370609.

ClinVar aggregate classification (germline): Uncertain significance (1 of 4 stars; one submission).

Allele frequency attached by ClinVar (database versions not stated): TOPMed below 0.00001; gnomAD 0.00001.
gnomAD v4.1: 6 of 1,203,526 alleles (0.0005%); highest among the groups gnomAD compares: Non-Finnish European, 0.00056%; no homozygotes.

Submission:

Labcorp Genetics (formerly Invitae), Labcorp
Classification: Uncertain significance. Last evaluated: 2022-11-24. Review status: criteria provided, single submitter. Criteria: Invitae Variant Classification Sherloc (09022015). Collection method: clinical testing. Allele origin: germline.
Comment: This sequence change falls in intron 16 of the DDX3X gene. It does not directly change the encoded amino acid sequence of the DDX3X protein. It affects a nucleotide within the consensus splice site. This variant is not present in population databases (gnomAD no frequency). This variant has not been reported in the literature in individuals affected with DDX3X-related conditions. Variants that disrupt the consensus splice site are a relatively common cause of aberrant splicing (PMID: 17576681, 9536098). Algorithms developed to predict the effect of sequence changes on RNA splicing suggest that this variant may create or strengthen a splice site. In summary, the available evidence is currently insufficient to determine the role of this variant in disease. Therefore, it has been classified as a Variant of Uncertain Significance.

Literature cited by the submitters: PubMed 17576681; PubMed 9536098.